The following is an entry in ClinVar:

ClinVar aggregate classification (germline): Uncertain significance (1 of 4 stars; one submission).

gnomAD v4.1: 1 of 1,614,080 alleles (0.000062%); highest among the groups gnomAD compares: Non-Finnish European, 0.000085%; no homozygotes.

Submission:

Labcorp Genetics (formerly Invitae), Labcorp
Classification: Uncertain significance. Last evaluated: 2022-01-22. Review status: criteria provided, single submitter. Criteria: Invitae Variant Classification Sherloc (09022015). Collection method: clinical testing. Allele origin: germline.
Comment: Algorithms developed to predict the effect of missense changes on protein structure and function (SIFT, PolyPhen-2, Align-GVGD) all suggest that this variant is likely to be disruptive. In summary, the available evidence is currently insufficient to determine the role of this variant in disease. Therefore, it has been classified as a Variant of Uncertain Significance. This variant has not been reported in the literature in individuals affected with LAMB1-related conditions. This variant is not present in population databases (gnomAD no frequency). This sequence change replaces arginine, which is basic and polar, with proline, which is neutral and non-polar, at codon 738 of the LAMB1 protein (p.Arg738Pro).

NM_002291.3(LAMB1):c.2213G>C (p.Arg738Pro)

Gene: LAMB1 (laminin subunit beta 1; minus strand). Cytogenetic location: 7q31.1.
Variant type: single nucleotide variant.
Coding change: c.2213G>C on transcript NM_002291.3 (MANE Select); coding-DNA position 2213, G replaced by C.
Protein change: p.Arg738Pro; replaces arginine 738 with proline.
Molecular consequence: missense variant.
Genome position (GRCh38, 1-based): chr7:107,960,546, C>G on the plus strand (G>C on the coding strand, the complement: LAMB1 is on the minus strand). VCF-style: chr7-107960546-C-G. GRCh37 (hg19) VCF-style: chr7-107600991-C-G.
Other names: short protein forms R738P.
Identifiers: ClinVar variation 1955595 (VCV001955595.5), dbSNP rs376880893, ClinGen allele CA368868947.